The following is an entry in ClinVar:

ClinVar aggregate classification (germline): Pathogenic (1 of 4 stars; one submission).

Conditions:
Oculofaciocardiodental syndrome (MCOPS2). Identifiers: Orphanet 2712, MedGen C1846265, MONDO:0010261, OMIM 300166.

Submission:

Centre of Medical Genetics, University Hospital Muenster
Classification: Pathogenic for Oculofaciocardiodental syndrome. Last evaluated: 2022-03-04. Review status: criteria provided, single submitter. Criteria: ACMG Guidelines, 2015. Collection method: clinical testing. Allele origin: de novo. Affected: yes. Observed: 1 variant allele, 1 heterozygote.
Comment: ACMG categories: PVS1,PS2,PM2

NM_001123385.2(BCOR):c.1529dup (p.Val511fs)

Genes: BCOR (BCL6 corepressor; minus strand), LOC126863239 (MED14-independent group 3 enhancer GRCh37_chrX:39932994-39934193; plus strand). Cytogenetic location: Xp11.4.
Variant type: Duplication.
Coding change: c.1529dup on transcript NM_001123385.2 (MANE Select); coding-DNA position 1529, one base duplicated (T; older notation c.1529dupT).
Protein change: p.Val511fs; shifts the reading frame from valine 511.
Molecular consequence: frameshift variant.
Genome position (GRCh38, 1-based): chrX:40,073,817, A duplicated on the plus strand (T on the coding strand, the reverse complement: BCOR is on the minus strand). VCF-style (leftmost placement, unchanged base first): chrX-40073816-C-CA. GRCh37 (hg19) VCF-style: chrX-39933069-C-CA.
Other names: c.1529dup, p.Val511Glyfs (NM_001123383.2); c.1529dup, p.Val511fs (NM_001123384.2, NM_017745.6); short protein forms V511fs.
Identifiers: ClinVar variation 1676781 (VCV001676781.1), dbSNP rs2147241441, ClinGen allele CA2573158685.